The following is an entry in ClinVar:

NM_001042424.3(NSD2):c.692C>T (p.Ser231Leu)

Gene: NSD2 (nuclear receptor binding SET domain protein 2; plus strand). Cytogenetic location: 4p16.3.
Variant type: single nucleotide variant.
Coding change: c.692C>T on transcript NM_001042424.3 (MANE Select); coding-DNA position 692, C replaced by T.
Protein change: p.Ser231Leu; replaces serine 231 with leucine.
Molecular consequence: missense variant.
Genome position (GRCh38, 1-based): chr4:1,904,310, C>T. VCF-style: chr4-1904310-C-T. GRCh37 (hg19) VCF-style: chr4-1906037-C-T.
Other names: c.692C>T, p.Ser231Leu (NM_007331.2, NM_133330.3, NM_133331.3 and 2 more transcripts); short protein forms S231L.
Identifiers: ClinVar variation 3353741 (VCV003353741.1).

ClinVar aggregate classification (germline): Uncertain significance (0 of 4 stars; one submission).

Conditions:
NSD2-related disorder. Also called: NSD2-related condition; NSD2 related disorders.

gnomAD v4.1: 5 of 1,614,140 alleles (0.00031%); highest among the groups gnomAD compares: Non-Finnish European, 0.00042%; no homozygotes.

Submission:

PreventionGenetics, part of Exact Sciences
Classification: Uncertain significance for NSD2-related condition. Last evaluated: 2024-07-03. Review status: no assertion criteria provided. Collection method: clinical testing. Allele origin: germline.
Comment: The NSD2 c.692C>T variant is predicted to result in the amino acid substitution p.Ser231Leu. To our knowledge, this variant has not been reported in the literature. This variant is reported in 0.00088% of alleles in individuals of European (Non-Finnish) descent in gnomAD. At this time, the clinical significance of this variant is uncertain due to the absence of conclusive functional and genetic evidence.